The following is an entry in ClinVar:

NM_001378120.1(MBD5):c.971C>G (p.Pro324Arg)

Gene: MBD5 (methyl-CpG binding domain protein 5; plus strand). Cytogenetic location: 2q23.1.
Variant type: single nucleotide variant.
Coding change: c.971C>G on transcript NM_001378120.1 (MANE Select); coding-DNA position 971, C replaced by G.
Protein change: p.Pro324Arg; replaces proline 324 with arginine.
Molecular consequence: missense variant.
Genome position (GRCh38, 1-based): chr2:148,468,914, C>G. VCF-style: chr2-148468914-C-G. GRCh37 (hg19) VCF-style: chr2-149226483-C-G.
Other names: c.971C>G, p.Pro324Arg (NM_018328.5); short protein forms P324R.
Identifiers: ClinVar variation 2035576 (VCV002035576.4), dbSNP rs2469859572, ClinGen allele CA348718105.

ClinVar aggregate classification (germline): Uncertain significance (1 of 4 stars; one submission).

Conditions:
Intellectual developmental disorder, autosomal dominant 1. Also called: MBD5 Haploinsufficiency; Intellectual disability, autosomal dominant 1. Identifiers: Orphanet 228402, MedGen C1969562, MONDO:0007974, OMIM 156200.

Allele frequency attached by ClinVar (database versions not stated): gnomAD exomes below 0.00001.
gnomAD v4.1: 1 of 1,613,686 alleles (0.000062%); highest among the groups gnomAD compares: East Asian, 0.0022%; no homozygotes.

Submission:

Labcorp Genetics (formerly Invitae), Labcorp
Classification: Uncertain significance for Intellectual developmental disorder, autosomal dominant 1. Last evaluated: 2021-12-06. Review status: criteria provided, single submitter. Criteria: Invitae Variant Classification Sherloc (09022015). Collection method: clinical testing. Allele origin: germline.
Comment: In summary, the available evidence is currently insufficient to determine the role of this variant in disease. Therefore, it has been classified as a Variant of Uncertain Significance. Algorithms developed to predict the effect of missense changes on protein structure and function (SIFT, PolyPhen-2, Align-GVGD) all suggest that this variant is likely to be disruptive. This sequence change replaces proline, which is neutral and non-polar, with arginine, which is basic and polar, at codon 324 of the MBD5 protein (p.Pro324Arg). This variant is not present in population databases (gnomAD no frequency). This variant has not been reported in the literature in individuals affected with MBD5-related conditions.